The following is an entry in ClinVar:

ClinVar aggregate classification (germline): Likely benign (0 of 4 stars; one submission).

Conditions:
GPBAR1-related disorder. Also called: GPBAR1-related condition.

Allele frequency attached by ClinVar (database versions not stated): gnomAD exomes 0.00003; ExAC 0.00001; gnomAD 0.00001; TOPMed 0.00001.

Submission:

PreventionGenetics, part of Exact Sciences
Classification: Likely benign for GPBAR1-related condition. Last evaluated: 2023-12-15. Review status: no assertion criteria provided. Collection method: clinical testing. Allele origin: germline.
Comment: This variant is classified as likely benign based on ACMG/AMP sequence variant interpretation guidelines (Richards et al. 2015 PMID: 25741868, with internal and published modifications).

NM_170699.3(GPBAR1):c.525G>A (p.Leu175=)

Gene: GPBAR1 (G protein-coupled bile acid receptor 1; plus strand). Cytogenetic location: 2q35.
Variant type: single nucleotide variant.
Coding change: c.525G>A on transcript NM_170699.3 (MANE Select); coding-DNA position 525, G replaced by A.
Protein change: p.Leu175=; no amino-acid change (leucine 175 retained).
Molecular consequence: synonymous variant.
Genome position (GRCh38, 1-based): chr2:218,263,249, G>A. VCF-style: chr2-218263249-G-A. GRCh37 (hg19) VCF-style: chr2-219127972-G-A.
Other names: c.525G>A, p.Leu175= (NM_001077191.2, NM_001077194.2, NM_001321950.2).
Identifiers: ClinVar variation 3053966 (VCV003053966.2), dbSNP rs758760146, ClinGen allele CA2102605.